The following is an entry in ClinVar:

NM_000540.3(RYR1):c.3556G>A (p.Gly1186Ser)

Gene: RYR1 (ryanodine receptor 1; plus strand). Cytogenetic location: 19q13.2.
Variant type: single nucleotide variant.
Coding change: c.3556G>A on transcript NM_000540.3 (MANE Select); coding-DNA position 3556, G replaced by A.
Protein change: p.Gly1186Ser; replaces glycine 1186 with serine.
Molecular consequence: missense variant.
Genome position (GRCh38, 1-based): chr19:38,469,140, G>A. VCF-style: chr19-38469140-G-A. GRCh37 (hg19) VCF-style: chr19-38959780-G-A.
Other names: NM_000540.3(RYR1):c.3556G>A; p.Gly1186Ser; c.3556G>A, p.Gly1186Ser (NM_001042723.2); short protein forms G1186S.
Identifiers: ClinVar variation 590519 (VCV000590519.9), dbSNP rs1568465251, ClinGen allele CA405638927.

ClinVar aggregate classification (germline): Uncertain significance. Review status: criteria provided, multiple submitters, no conflicts (2 of 4 stars). 5 submissions from 5 submitters: Uncertain significance (5). Last evaluated 2023-09-17.

Conditions:
RYR1-related disorder. Also called: RYR1-related disorders; RYR1-related condition. Identifiers: MedGen CN239331.
Malignant hyperthermia, susceptibility to, 1 (MHS1). Also called: Anesthesia related hyperthermia; Malignant hyperpyrexia; Fulminating hyperpyrexia; Pharmacogenic myopathy; RYR1-Related Malignant Hyperthermia Susceptibility; Malignant hyperthermia suceptibility 1. Identifiers: Orphanet 423, MedGen C2930980, MONDO:0007783, OMIM 145600.
Congenital multicore myopathy with external ophthalmoplegia (CMYO1B). Also called: MULTIMINICORE DISEASE WITH EXTERNAL OPHTHALMOPLEGIA; Congenital myopathy 1B, autosomal recessive; Minicore myopathy; Minicore myopathy with external ophthalmoplegia; MULTICORE MYOPATHY. Identifiers: Orphanet 598, Orphanet 98905, MedGen C1850674, MONDO:0009712, OMIM 255320, HP:0003789.
Congenital myopathy with fiber type disproportion. Also called: Congenital fiber-type disproportion myopathy; Congenital fiber-type disproportion. Identifiers: Orphanet 2020, MedGen C0546264, MONDO:0009711. Inheritance: all.
Central core myopathy (CMYO1A). Also called: CONGENITAL MYOPATHY 1A, AUTOSOMAL DOMINANT, WITH SUSCEPTIBILITY TO MALIGNANT HYPERTHERMIA; Central core disease; Myopathy, central fibrillar. Identifiers: Orphanet 597, MedGen C5830701, MONDO:0007294, OMIM 117000.
King Denborough syndrome (KDS). Identifiers: MedGen C1840365, MONDO:0020485, OMIM 619542.
RYR1-related myopathy. Identifiers: Orphanet 98742, MedGen CN305348, MONDO:0100150.

gnomAD v4.1: 2 of 1,614,068 alleles (0.00012%); highest among the groups gnomAD compares: South Asian, 0.0011%; no homozygotes.

Submissions (5):

All of Us Research Program, National Institutes of Health
Classification: Uncertain significance for Malignant hyperthermia, susceptibility to, 1. Last evaluated: 2023-09-17. Review status: criteria provided, single submitter. Criteria: ACMG Guidelines, 2015. Collection method: clinical testing. Allele origin: germline. Inheritance: Autosomal dominant inheritance. Observed: 1 variant allele, 1 heterozygote.
Comment: This variant replaces glycine with serine at codon 1186 of the RYR1 protein. Computational prediction is inconclusive regarding the impact of this variant on protein structure and function (internally defined REVEL score threshold 0.5 < inconclusive < 0.7, PMID: 27666373). In addition, this variant alters the last c.G nucleotide of exon 26 and is predicted to disrupt RNA splicing. To our knowledge, functional studies have not been reported for this variant. This variant has not been reported in individuals affected with RYR1-related disorders in the literature. This variant has not been identified in the general population by the Genome Aggregation Database (gnomAD). The available evidence is insufficient to determine the role of this variant in disease conclusively. Therefore, this variant is classified as a Variant of Uncertain Significance.

This study involves interpretation of variants in research participants for the purpose of population health screening. Participant phenotype was not available at the time of variant classification. Additional details can be found in publication PMID: 35346344, PMCID: PMC8962531

Labcorp Genetics (formerly Invitae), Labcorp
Classification: Uncertain significance for RYR1-related disorder. Last evaluated: 2023-08-17. Review status: criteria provided, single submitter. Criteria: Invitae Variant Classification Sherloc (09022015). Collection method: clinical testing. Allele origin: germline.
Comment: In summary, the available evidence is currently insufficient to determine the role of this variant in disease. Therefore, it has been classified as a Variant of Uncertain Significance. Variants that disrupt the consensus splice site are a relatively common cause of aberrant splicing (PMID: 17576681, 9536098). Algorithms developed to predict the effect of sequence changes on RNA splicing suggest that this variant may disrupt the consensus splice site. An algorithm developed to predict the effect of missense changes on protein structure and function (PolyPhen-2) suggests that this variant is likely to be disruptive. ClinVar contains an entry for this variant (Variation ID: 590519). This variant has not been reported in the literature in individuals affected with RYR1-related conditions. This variant is not present in population databases (gnomAD no frequency). This sequence change replaces glycine, which is neutral and non-polar, with serine, which is neutral and polar, at codon 1186 of the RYR1 protein (p.Gly1186Ser). This variant also falls at the last nucleotide of exon 26, which is part of the consensus splice site for this exon.

Broad Center for Mendelian Genomics, Broad Institute of MIT and Harvard
Classification: Uncertain significance for RYR1-related myopathy. Last evaluated: 2023-01-25. Review status: criteria provided, single submitter. Criteria: ACMG Guidelines, 2015. Collection method: curation. Allele origin: germline. Inheritance: Autosomal recessive inheritance.
Comment: Familial segregation analysis revealed that this variant was in trans with another variant of uncertain significance (ClinVar Variation ID: 1000892). The p.Gly1186Ser variant in RYR1 has not been previously reported in individuals with RYR1-related myopathy. This variant was absent from large population studies. This variant has also been reported in ClinVar (Variation ID:590519) and has been interpreted as a variant of uncertain significance by Prevention Genetics. Computational prediction tools and conservation analyses do not provide strong support for or against an impact to the protein. In summary, the clinical significance of the p.Gly1186Ser variant is uncertain. ACMG/AMP Criteria applied: PM2_Supporting (Richards 2015).

Fulgent Genetics
Classification: Uncertain significance for Central core myopathy; Malignant hyperthermia, susceptibility to, 1; Congenital myopathy 4A, autosomal dominant; Congenital multicore myopathy with external ophthalmoplegia; King Denborough syndrome. Last evaluated: 2021-10-09. Review status: criteria provided, single submitter. Criteria: ACMG Guidelines, 2015. Collection method: clinical testing. Allele origin: unknown.

PreventionGenetics, part of Exact Sciences
Classification: Uncertain significance. Last evaluated: 2018-02-13. Review status: criteria provided, single submitter. Criteria: ACMG Guidelines, 2015. Collection method: clinical testing. Allele origin: germline.

Literature cited by the submitters: PubMed 17576681 (cited by Labcorp Genetics (formerly Invitae), Labcorp); PubMed 9536098 (cited by Labcorp Genetics (formerly Invitae), Labcorp).